The following is an entry in ClinVar:

ClinVar aggregate classification (germline): Pathogenic (1 of 4 stars; one submission).

Conditions:
Fabry disease. Also called: ALPHA-GALACTOSIDASE A DEFICIENCY; ANDERSON-FABRY DISEASE; CERAMIDE TRIHEXOSIDASE DEFICIENCY; GLA DEFICIENCY; HEREDITARY DYSTOPIC LIPIDOSIS; Angiokeratoma corporis diffusum. Identifiers: Orphanet 324, MedGen C0002986, MONDO:0010526, OMIM 301500, HP:0001071. Disease mechanism: Fabry disease is due to inactivating mutations in the X-linked GLA gene resulting in deficiency of the enzyme Alpha Galactosidase-A., loss of function.

Submission:

Genomenon, Inc
Classification: Pathogenic for Fabry disease. Last evaluated: 2026-09-08. Review status: criteria provided, single submitter. Criteria: Genomenon Sequence Variant Interpretation Standards - Updated. Collection method: curation. Allele origin: germline. Affected: yes.
Comment: GLA c.1000-2A>T is a canonical splice variant affecting the acceptor splice site of intron 6. It is predicted to affect mRNA splicing, leading to a deleterious effect on the GLA protein. This variant has been observed in at least one proband with clinical features consistent with Fabry disease (PMID:18424138). Functional or patient cell studies have been reported (PMID:18424138). It is absent or not present at a significant frequency in gnomAD. In conclusion, we classify GLA c.1000-2A>T as a pathogenic variant.

Literature cited by the submitters: PubMed 18424138.

NM_000169.3(GLA):c.1000-2A>T

Genes: GLA (galactosidase alpha; minus strand), RPL36A-HNRNPH2 (RPL36A-HNRNPH2 readthrough; plus strand). Cytogenetic location: Xq22.1.
Variant type: single nucleotide variant.
Coding change: c.1000-2A>T on transcript NM_000169.3 (MANE Select); the canonical splice acceptor site of the intron before coding-DNA position 1000, A replaced by T.
Molecular consequence: splice acceptor variant. On other transcripts: intron variant (2).
Genome position (GRCh38, 1-based): chrX:101,398,101, T>A on the plus strand (A>T on the coding strand, the complement: GLA is on the minus strand). VCF-style: chrX-101398101-T-A. GRCh37 (hg19) VCF-style: chrX-100653089-T-A.
Other names: c.300+2644T>A (NM_001199973.2); c.177+6279T>A (NM_001199974.2); c.1123-2A>T (NM_001406747.1).
Identifiers: ClinVar variation 4087230 (VCV004087230.2).
Genomic context (GRCh38, chrX:101,398,101, plus strand): 5'-ATAGCTACAGCCCAGGCTAAGCCTGAGAGAGGTCGTTCCCACACTTCAAAGTTGTCTCCC[T>A]GAAAAACCAAGAAAGTGTGGTTGCTTAGCAACTAGTGATAAGTGGCCCTGTTAGTTTGGC-3'